The following is an entry in ClinVar:

NM_000219.6(KCNE1):c.101C>A (p.Ser34Tyr)

Gene: KCNE1 (potassium voltage-gated channel subfamily E regulatory subunit 1; minus strand). Cytogenetic location: 21q22.12.
Variant type: single nucleotide variant.
Coding change: c.101C>A on transcript NM_000219.6 (MANE Select); coding-DNA position 101, C replaced by A.
Protein change: p.Ser34Tyr; replaces serine 34 with tyrosine.
Molecular consequence: missense variant.
Genome position (GRCh38, 1-based): chr21:34,449,534, G>T on the plus strand (C>A on the coding strand, the complement: KCNE1 is on the minus strand). VCF-style: chr21-34449534-G-T. GRCh37 (hg19) VCF-style: chr21-35821832-G-T.
Other names: c.101C>A, p.Ser34Tyr (NM_001127668.4, NM_001127669.4, NM_001127670.4 and 4 more transcripts); short protein forms S34Y.
Identifiers: ClinVar variation 3374050 (VCV003374050.2).
Genomic context (GRCh38, chr21:34,449,534, plus strand): 5'-AAGAATCCCAGTACCATGAGGACGTAGAGGGCCTCCAGCTTGCCGTCACTGCTGCGGGGG[G>T]ACCTGCGGGCCAGGCCCGACATGTTGCCACCCTGCTGAACTGTCTCCTGCCACAGCTTGG-3'
Protein context (NP_000210.2, residues 24-44): GGNMSGLARR[Ser34Tyr]PRSSDGKLEA

Conditions:
Long QT syndrome 5 (LQT5). Identifiers: Orphanet 101016, Orphanet 768, MedGen C1867904, MONDO:0013372, OMIM 613695.

Submission:

Roden Lab, Vanderbilt University Medical Center
No classification provided (evidence only). Condition: Long QT syndrome 5. Review status: no classification provided. Collection method: in vitro. Allele origin: not applicable. Functional consequence: Effect on ion channel function.
ClinVar note: "not provided" was previously submitted as the classification for the variant. However, the classification appeared to be based only on an observation of functional data so it was converted to no classification on 2025-07-30.